The following is an entry in ClinVar:

NM_001942.4(DSG1):c.2923G>T (p.Gly975Cys)

Genes: DSG1 (desmoglein 1; plus strand), DSG1-AS1 (DSG1 antisense RNA 1; minus strand). Cytogenetic location: 18q12.1.
Variant type: single nucleotide variant.
Coding change: c.2923G>T on transcript NM_001942.4 (MANE Select); coding-DNA position 2923, G replaced by T.
Protein change: p.Gly975Cys; replaces glycine 975 with cysteine.
Molecular consequence: missense variant.
Genome position (GRCh38, 1-based): chr18:31,355,119, G>T. VCF-style: chr18-31355119-G-T. GRCh37 (hg19) VCF-style: chr18-28935082-G-T.
Other names: short protein forms G975C.
Identifiers: ClinVar variation 3006800 (VCV003006800.3), dbSNP rs763543873, ClinGen allele CA8926475.

ClinVar aggregate classification (germline): Uncertain significance (1 of 4 stars; one submission).

Allele frequency attached by ClinVar (database versions not stated): ExAC 0.00001.

Submission:

Labcorp Genetics (formerly Invitae), Labcorp
Classification: Uncertain significance. Last evaluated: 2022-11-28. Review status: criteria provided, single submitter. Criteria: Invitae Variant Classification Sherloc (09022015). Collection method: clinical testing. Allele origin: germline.
Comment: This sequence change replaces glycine, which is neutral and non-polar, with cysteine, which is neutral and slightly polar, at codon 975 of the DSG1 protein (p.Gly975Cys). This variant is present in population databases (rs763543873, gnomAD 0.006%). This variant has not been reported in the literature in individuals affected with DSG1-related conditions. Algorithms developed to predict the effect of missense changes on protein structure and function are either unavailable or do not agree on the potential impact of this missense change (SIFT: "Deleterious"; PolyPhen-2: "Benign"; Align-GVGD: "Class C0"). In summary, the available evidence is currently insufficient to determine the role of this variant in disease. Therefore, it has been classified as a Variant of Uncertain Significance.